The following is an entry in ClinVar:

ClinVar aggregate classification (germline): Uncertain significance. Review status: criteria provided, multiple submitters, no conflicts (2 of 4 stars). 4 submissions from 4 submitters: Uncertain significance (4). Last evaluated 2025-06-12.

Conditions:
Hereditary cancer-predisposing syndrome. Also called: Tumor predisposition; Hereditary Cancer Syndrome; Hereditary neoplastic syndrome; Neoplastic Syndromes, Hereditary. Identifiers: Orphanet 140162, MedGen C0027672, MeSH D009386, MONDO:0015356.
Tuberous sclerosis syndrome (TSC). Also called: Tuberous Sclerosis Complex; Tuberous sclerosis. Identifiers: Orphanet 805, MedGen C0041341, MONDO:0001734.
Tuberous sclerosis 2 (TSC2). Identifiers: Orphanet 805, MedGen C1860707, MONDO:0013199, OMIM 613254.

Allele frequency attached by ClinVar (database versions not stated): gnomAD exomes below 0.00001.
gnomAD v4.1: 1 of 1,598,552 alleles (0.000063%); highest among the groups gnomAD compares: African/African-American, 0.0013%; no homozygotes.

Submissions (4):

Color Diagnostics, LLC DBA Color Health
Classification: Uncertain significance for Tuberous sclerosis syndrome. Last evaluated: 2025-06-12. Review status: criteria provided, single submitter. Criteria: ACMG Guidelines, 2015. Collection method: clinical testing. Allele origin: germline.
Comment: This missense variant replaces proline with alanine at codon 1493 of the TSC2 protein. Computational prediction is inconclusive regarding the impact of this variant on protein structure and function. To our knowledge, functional studies have not been reported for this variant. This variant has not been reported in individuals affected with TSC2-related disorders in the literature. This variant has not been identified in the general population by the Genome Aggregation Database (gnomAD). The available evidence is insufficient to determine the role of this variant in disease conclusively. Therefore, this variant is classified as a Variant of Uncertain Significance.

Ambry Genetics
Classification: Uncertain significance for Hereditary cancer-predisposing syndrome. Last evaluated: 2024-11-27. Review status: criteria provided, single submitter. Criteria: Ambry Variant Classification Scheme 2023. Collection method: clinical testing. Allele origin: germline.
Comment: The p.P1493A variant (also known as c.4477C>G), located in coding exon 33 of the TSC2 gene, results from a C to G substitution at nucleotide position 4477. The proline at codon 1493 is replaced by alanine, an amino acid with highly similar properties. This amino acid position is well conserved in available vertebrate species. In addition, the in silico prediction for this alteration is inconclusive. Based on the available evidence, the clinical significance of this variant remains unclear.

Labcorp Genetics (formerly Invitae), Labcorp
Classification: Uncertain significance for Tuberous sclerosis 2. Last evaluated: 2024-10-23. Review status: criteria provided, single submitter. Criteria: Invitae Variant Classification Sherloc (09022015). Collection method: clinical testing. Allele origin: germline.
Comment: This sequence change replaces proline, which is neutral and non-polar, with alanine, which is neutral and non-polar, at codon 1493 of the TSC2 protein (p.Pro1493Ala). This variant is not present in population databases (gnomAD no frequency). This variant has not been reported in the literature in individuals affected with TSC2-related conditions. ClinVar contains an entry for this variant (Variation ID: 238052). Invitae Evidence Modeling of protein sequence and biophysical properties (such as structural, functional, and spatial information, amino acid conservation, physicochemical variation, residue mobility, and thermodynamic stability) indicates that this missense variant is not expected to disrupt TSC2 protein function with a negative predictive value of 95%. In summary, the available evidence is currently insufficient to determine the role of this variant in disease. Therefore, it has been classified as a Variant of Uncertain Significance.

Genome-Nilou Lab
Classification: Uncertain significance for Tuberous sclerosis 2. Last evaluated: 2021-11-07. Review status: criteria provided, single submitter. Criteria: ACMG Guidelines, 2015. Collection method: clinical testing. Allele origin: germline. Affected: no.

NM_000548.5(TSC2):c.4477C>G (p.Pro1493Ala)

Gene: TSC2 (TSC complex subunit 2; plus strand). Cytogenetic location: 16p13.3.
Variant type: single nucleotide variant.
Coding change: c.4477C>G on transcript NM_000548.5 (MANE Select); coding-DNA position 4477, C replaced by G.
Protein change: p.Pro1493Ala; replaces proline 1493 with alanine.
Molecular consequence: missense variant.
Genome position (GRCh38, 1-based): chr16:2,084,699, C>G. VCF-style: chr16-2084699-C-G. GRCh37 (hg19) VCF-style: chr16-2134700-C-G.
Other names: c.4276C>G, p.Pro1426Ala (NM_001077183.3); c.4408C>G, p.Pro1470Ala (NM_001114382.3); c.4168C>G, p.Pro1390Ala (NM_001318827.2); c.4132C>G, p.Pro1378Ala (NM_001318829.2); c.3745C>G, p.Pro1249Ala (NM_001318831.2); c.4309C>G, p.Pro1437Ala (NM_001318832.2); c.4279C>G, p.Pro1427Ala (NM_001363528.2); c.4345C>G, p.Pro1449Ala (NM_001370404.1); and 1 more; short protein forms P1493A, P1378A, P1437A, P1249A, P1390A, P1426A, P1449A, P1450A.
Identifiers: ClinVar variation 238052 (VCV000238052.19), dbSNP rs878854108, ClinGen allele CA10583335.